The following is an entry in ClinVar:

NM_001103.4(ACTN2):c.1516-1G>T

Gene: ACTN2 (actinin alpha 2; plus strand). Cytogenetic location: 1q43.
Variant type: single nucleotide variant.
Coding change: c.1516-1G>T on transcript NM_001103.4 (MANE Select); the canonical splice acceptor site of the intron before coding-DNA position 1516, G replaced by T.
Molecular consequence: splice acceptor variant.
Genome position (GRCh38, 1-based): chr1:236,749,123, G>T. VCF-style: chr1-236749123-G-T. GRCh37 (hg19) VCF-style: chr1-236912423-G-T.
Other names: c.1516-1G>T (NM_001278343.2).
Identifiers: ClinVar variation 3759296 (VCV003759296.2).

ClinVar aggregate classification (germline): Uncertain significance (1 of 4 stars; one submission).

Conditions:
Primary familial hypertrophic cardiomyopathy (HCM). Identifiers: Orphanet 99739, MedGen C0949658, MeSH D024741, MONDO:0024573. Inheritance: Various modes of inheritance.
Dilated cardiomyopathy 1AA (CMD1AA). Also called: CARDIOMYOPATHY, DILATED, 1AA, WITH OR WITHOUT LEFT VENTRICULAR NONCOMPACTION; CARDIOMYOPATHY, FAMILIAL HYPERTROPHIC, 23, WITH OR WITHOUT LEFT VENTRICULAR NONCOMPACTION; Cardiomyopathy, dilated, 1AA, with or without LVNC. Identifiers: Orphanet 154, MedGen C2677338, MONDO:0012808, OMIM 612158.

Submission:

Labcorp Genetics (formerly Invitae), Labcorp
Classification: Uncertain significance for Primary familial hypertrophic cardiomyopathy; Dilated cardiomyopathy 1AA. Last evaluated: 2024-09-29. Review status: criteria provided, single submitter. Criteria: Invitae Variant Classification Sherloc (09022015). Collection method: clinical testing. Allele origin: germline.
Comment: This sequence change affects an acceptor splice site in intron 13 of the ACTN2 gene. It is expected to disrupt RNA splicing. Variants that disrupt the donor or acceptor splice site typically lead to a loss of protein function (PMID: 16199547), however the current clinical and genetic evidence is not sufficient to establish whether loss-of-function variants in ACTN2 cause disease. This variant is not present in population databases (gnomAD no frequency). This variant has not been reported in the literature in individuals affected with ACTN2-related conditions. Algorithms developed to predict the effect of sequence changes on RNA splicing suggest that this variant may disrupt the consensus splice site. In summary, the available evidence is currently insufficient to determine the role of this variant in disease. Therefore, it has been classified as a Variant of Uncertain Significance.

Literature cited by the submitters: PubMed 16199547.